The following is an entry in ClinVar:

ClinVar aggregate classification (germline): Uncertain significance (1 of 4 stars; one submission).

Conditions:
Combined immunodeficiency due to LRBA deficiency. Also called: Common variable immunodeficiency 8, with autoimmunity. Identifiers: Orphanet 445018, MedGen C3553512, MONDO:0013863, OMIM 614700.

Allele frequency attached by ClinVar (database versions not stated): gnomAD exomes 0.00001; TOPMed 0.00001.
gnomAD v4.1: 5 of 1,613,858 alleles (0.00031%); highest among the groups gnomAD compares: Non-Finnish European, 0.00042%; no homozygotes.

Submission:

Labcorp Genetics (formerly Invitae), Labcorp
Classification: Uncertain significance for Combined immunodeficiency due to LRBA deficiency. Last evaluated: 2022-06-12. Review status: criteria provided, single submitter. Criteria: Invitae Variant Classification Sherloc (09022015). Collection method: clinical testing. Allele origin: germline.
Comment: In summary, the available evidence is currently insufficient to determine the role of this variant in disease. Therefore, it has been classified as a Variant of Uncertain Significance. Algorithms developed to predict the effect of missense changes on protein structure and function are either unavailable or do not agree on the potential impact of this missense change (SIFT: "Tolerated"; PolyPhen-2: "Possibly Damaging"; Align-GVGD: "Class C0"). ClinVar contains an entry for this variant (Variation ID: 999088). This variant has not been reported in the literature in individuals affected with LRBA-related conditions. This variant is present in population databases (no rsID available, gnomAD 0.007%). This sequence change replaces leucine, which is neutral and non-polar, with valine, which is neutral and non-polar, at codon 2063 of the LRBA protein (p.Leu2063Val).

NM_001364905.1(LRBA):c.6154C>G (p.Leu2052Val)

Gene: LRBA (LPS responsive beige-like anchor protein; minus strand). Cytogenetic location: 4q31.3.
Variant type: single nucleotide variant.
Coding change: c.6154C>G on transcript NM_001364905.1 (MANE Select); coding-DNA position 6154, C replaced by G.
Protein change: p.Leu2052Val; replaces leucine 2052 with valine.
Molecular consequence: missense variant.
Genome position (GRCh38, 1-based): chr4:150,590,752, G>C on the plus strand (C>G on the coding strand, the complement: LRBA is on the minus strand). VCF-style: chr4-150590752-G-C. GRCh37 (hg19) VCF-style: chr4-151511904-G-C.
Other names: c.6154C>G, p.Leu2052Val (NM_001199282.3, NM_001367550.1); c.6187C>G, p.Leu2063Val (NM_006726.5); short protein forms L2052V, L2063V.
Identifiers: ClinVar variation 999088 (VCV000999088.10), dbSNP rs1424902216, ClinGen allele CA358605829.